The following is an entry in ClinVar:

ClinVar aggregate classification (germline): Uncertain significance. Review status: criteria provided, multiple submitters, no conflicts (2 of 4 stars). 5 submissions from 5 submitters: Uncertain significance (4). 1 of the submissions does not count toward it. Last evaluated 2025-08-15.

Conditions:
CDH23-related disorder. Also called: CDH23-related condition; CDH23-related disorders.
Usher syndrome type 1 (USH1). Also called: RETINITIS PIGMENTOSA AND CONGENITAL DEAFNESS. Identifiers: Orphanet 231169, Orphanet 886, MedGen C1568247, MONDO:0010168, OMIM 276900.

Allele frequency attached by ClinVar (database versions not stated): ExAC 0.00002; gnomAD 0.00006 and 0.00007; TOPMed 0.00009.
gnomAD v4.1: 22 of 1,613,752 alleles (0.0014%); highest among the groups gnomAD compares: African/African-American, 0.02%; no homozygotes.

Submissions (5):

PreventionGenetics, part of Exact Sciences
Classification: Uncertain significance for CDH23-related condition. Last evaluated: 2025-08-15. Review status: criteria provided, single submitter. Criteria: ACMG Guidelines, 2015. Collection method: clinical testing. Allele origin: germline.
Comment: The CDH23 c.310G>A variant is predicted to result in the amino acid substitution p.Glu104Lys. To our knowledge, this variant has not been reported in the literature. This variant is reported in 0.025% of alleles in individuals of African descent in gnomAD. At this time, the clinical significance of this variant is uncertain due to the absence of conclusive functional and genetic evidence.

Labcorp Genetics (formerly Invitae), Labcorp
Classification: Uncertain significance. Last evaluated: 2022-08-16. Review status: criteria provided, single submitter. Criteria: Invitae Variant Classification Sherloc (09022015). Collection method: clinical testing. Allele origin: germline.
Comment: This sequence change replaces glutamic acid, which is acidic and polar, with lysine, which is basic and polar, at codon 104 of the CDH23 protein (p.Glu104Lys). This variant is present in population databases (rs772284876, gnomAD 0.02%). This variant has not been reported in the literature in individuals affected with CDH23-related conditions. ClinVar contains an entry for this variant (Variation ID: 197847). Algorithms developed to predict the effect of missense changes on protein structure and function are either unavailable or do not agree on the potential impact of this missense change (SIFT: "Deleterious"; PolyPhen-2: "Not Available"; Align-GVGD: "Class C0"). In summary, the available evidence is currently insufficient to determine the role of this variant in disease. Therefore, it has been classified as a Variant of Uncertain Significance.

Athena Diagnostics
Classification: Uncertain significance. Last evaluated: 2019-08-14. Review status: criteria provided, single submitter. Criteria: Athena Diagnostics Criteria. Collection method: clinical testing. Allele origin: germline.

Eurofins Ntd Llc (ga)
Classification: Uncertain significance. Last evaluated: 2015-05-19. Review status: criteria provided, single submitter. Criteria: EGL Classification Definitions 2015. Collection method: clinical testing. Allele origin: germline. Observed: 1 variant allele, 1 heterozygote.

Natera, Inc.
Classification: Uncertain significance for Usher syndrome type 1. Last evaluated: 2019-10-28. Review status: no assertion criteria provided. Collection method: clinical testing. Allele origin: germline. Not counted in ClinVar's aggregate classification.

NM_022124.6(CDH23):c.310G>A (p.Glu104Lys)

Genes: CDH23 (cadherin related 23; plus strand), CDH23-AS1 (CDH23 antisense RNA 1; minus strand). Cytogenetic location: 10q22.1.
Variant type: single nucleotide variant.
Coding change: c.310G>A on transcript NM_022124.6 (MANE Select); coding-DNA position 310, G replaced by A.
Protein change: p.Glu104Lys; replaces glutamic acid 104 with lysine.
Molecular consequence: missense variant.
Genome position (GRCh38, 1-based): chr10:71,510,975, G>A. VCF-style: chr10-71510975-G-A. GRCh37 (hg19) VCF-style: chr10-73270732-G-A.
Other names: c.310G>A, p.Glu104Lys (NM_001171930.2, NM_001171931.2, NM_001171932.2 and 1 more transcripts); short protein forms E104K.
Identifiers: ClinVar variation 197847 (VCV000197847.8), dbSNP rs772284876, ClinGen allele CA246215.